The following is an entry in ClinVar:

NM_001379286.1(ZNF423):c.1244T>A (p.Val415Glu)

Gene: ZNF423 (zinc finger protein 423; minus strand). Cytogenetic location: 16q12.1.
Variant type: single nucleotide variant.
Coding change: c.1244T>A on transcript NM_001379286.1 (MANE Select); coding-DNA position 1244, T replaced by A.
Protein change: p.Val415Glu; replaces valine 415 with glutamic acid.
Molecular consequence: missense variant.
Genome position (GRCh38, 1-based): chr16:49,637,932, A>T on the plus strand (T>A on the coding strand, the complement: ZNF423 is on the minus strand). VCF-style: chr16-49637932-A-T. GRCh37 (hg19) VCF-style: chr16-49671843-A-T.
Other names: c.869T>A, p.Val290Glu (NM_001330533.2); c.1220T>A, p.Val407Glu (NM_015069.5); c.1040T>A, p.Val347Glu (NM_001271620.2); short protein forms V290E, V347E, V415E, V407E.
Identifiers: ClinVar variation 1401318 (VCV001401318.5), dbSNP rs762926535, ClinGen allele CA8046722.

ClinVar aggregate classification (germline): Uncertain significance (1 of 4 stars; one submission).

Conditions:
Nephronophthisis 14 (NPHP14). Identifiers: Orphanet 2318, MedGen C3539071, MONDO:0013916, OMIM 614844.

Allele frequency attached by ClinVar (database versions not stated): gnomAD exomes 0.00001; ExAC 0.00002; gnomAD 0.00003; TOPMed 0.00003.
gnomAD v4.1: 24 of 1,613,958 alleles (0.0015%); highest among the groups gnomAD compares: Admixed American, 0.0033%; no homozygotes.

Submission:

Labcorp Genetics (formerly Invitae), Labcorp
Classification: Uncertain significance for Nephronophthisis 14. Last evaluated: 2024-04-22. Review status: criteria provided, single submitter. Criteria: Invitae Variant Classification Sherloc (09022015). Collection method: clinical testing. Allele origin: germline.
Comment: This sequence change replaces valine, which is neutral and non-polar, with glutamic acid, which is acidic and polar, at codon 407 of the ZNF423 protein (p.Val407Glu). This variant is present in population databases (rs762926535, gnomAD 0.003%). This variant has not been reported in the literature in individuals affected with ZNF423-related conditions. ClinVar contains an entry for this variant (Variation ID: 1401318). Advanced modeling of protein sequence and biophysical properties (such as structural, functional, and spatial information, amino acid conservation, physicochemical variation, residue mobility, and thermodynamic stability) performed at Invitae indicates that this missense variant is not expected to disrupt ZNF423 protein function with a negative predictive value of 80%. In summary, the available evidence is currently insufficient to determine the role of this variant in disease. Therefore, it has been classified as a Variant of Uncertain Significance.